The following is an entry in ClinVar:

NM_001005498.4(RHBDF2):c.458A>G (p.Lys153Arg)

Gene: RHBDF2 (rhomboid 5 homolog 2; minus strand). Cytogenetic location: 17q25.1.
Variant type: single nucleotide variant.
Coding change: c.458A>G on transcript NM_001005498.4 (MANE Select); coding-DNA position 458, A replaced by G.
Protein change: p.Lys153Arg; replaces lysine 153 with arginine.
Molecular consequence: missense variant. On other transcripts: non-coding transcript variant (3).
Genome position (GRCh38, 1-based): chr17:76,479,092, T>C on the plus strand (A>G on the coding strand, the complement: RHBDF2 is on the minus strand). VCF-style: chr17-76479092-T-C. GRCh37 (hg19) VCF-style: chr17-74475174-T-C.
Other names: c.458A>G, p.Lys153Arg (NM_001376228.1, NM_001376229.1, NM_001376230.1); c.545A>G, p.Lys182Arg (NM_024599.5); short protein forms K153R, K182R.
Identifiers: ClinVar variation 4886048 (VCV004886048.2).

ClinVar aggregate classification (germline): Uncertain significance (1 of 4 stars; one submission).

gnomAD v4.1: 5 of 1,613,570 alleles (0.00031%); highest among the groups gnomAD compares: East Asian, 0.0022%; no homozygotes.

Submission:

Dasa
Classification: Uncertain significance. Last evaluated: 2025-05-19. Review status: criteria provided, single submitter. Criteria: DASA Assertion Criteria. Collection method: clinical testing. Allele origin: germline.
Comment: NM_001005498.4(RHBDF2):c.458A>G (p.Lys153Arg) is a missense variant that results in the substitution of lysine with arginine. This variant is rare in population databases. Computational prediction algorithms are consistent with a benign effect. The currently available literature and clinical evidence are not sufficient to establish a definitive association between this variant and the reported condition. Therefore, this variant is classified as a variant of uncertain significance.